The following is an entry in ClinVar:

ClinVar aggregate classification (germline): Uncertain significance (1 of 4 stars; one submission).

Submission:

Labcorp Genetics (formerly Invitae), Labcorp
Classification: Uncertain significance. Last evaluated: 2024-02-17. Review status: criteria provided, single submitter. Criteria: Invitae Variant Classification Sherloc (09022015). Collection method: clinical testing. Allele origin: germline.
Comment: This sequence change replaces valine, which is neutral and non-polar, with glycine, which is neutral and non-polar, at codon 423 of the C8A protein (p.Val423Gly). This variant is not present in population databases (gnomAD no frequency). This variant has not been reported in the literature in individuals affected with C8A-related conditions. ClinVar contains an entry for this variant (Variation ID: 1481011). An algorithm developed to predict the effect of missense changes on protein structure and function (PolyPhen-2) suggests that this variant is likely to be disruptive. In summary, the available evidence is currently insufficient to determine the role of this variant in disease. Therefore, it has been classified as a Variant of Uncertain Significance.

NM_000562.3(C8A):c.1268T>G (p.Val423Gly)

Gene: C8A (complement C8 alpha chain; plus strand). Cytogenetic location: 1p32.2.
Variant type: single nucleotide variant.
Coding change: c.1268T>G on transcript NM_000562.3 (MANE Select); coding-DNA position 1268, T replaced by G.
Protein change: p.Val423Gly; replaces valine 423 with glycine.
Molecular consequence: missense variant.
Genome position (GRCh38, 1-based): chr1:56,908,001, T>G. VCF-style: chr1-56908001-T-G. GRCh37 (hg19) VCF-style: chr1-57373674-T-G.
Other names: short protein forms V423G.
Identifiers: ClinVar variation 1481011 (VCV001481011.8), dbSNP rs2101300405, ClinGen allele CA340514172.